The following is an entry in ClinVar:

NM_002470.4(MYH3):c.3574G>A (p.Ala1192Thr)

Gene: MYH3 (myosin heavy chain 3; minus strand). Cytogenetic location: 17p13.1.
Variant type: single nucleotide variant.
Coding change: c.3574G>A on transcript NM_002470.4 (MANE Select); coding-DNA position 3574, G replaced by A.
Protein change: p.Ala1192Thr; replaces alanine 1192 with threonine.
Molecular consequence: missense variant.
Genome position (GRCh38, 1-based): chr17:10,638,198, C>T on the plus strand (G>A on the coding strand, the complement: MYH3 is on the minus strand). VCF-style: chr17-10638198-C-T. GRCh37 (hg19) VCF-style: chr17-10541515-C-T.
Other names: short protein forms A1192T.
Identifiers: ClinVar variation 129658 (VCV000129658.33), dbSNP rs2285477, ClinGen allele CA153793.
Genomic context (GRCh38, chr17:10,638,198, plus strand): 5'-GCAGGTTGTCAATCTGCTCCCCAAGCTCGGCCACACTATCCGCATGCTTCTTCCTCAGCG[C>T]GGCCACCATGGCTTCGTGCTGCAGTGTGGCCTCCTCCAGGTCCCTGCGCAGCTTCAGGAA-3'
Protein context (NP_002461.2, residues 1182-1202): ATLQHEAMVA[Ala1192Thr]LRKKHADSVA

ClinVar aggregate classification (germline): Benign. Review status: criteria provided, multiple submitters, no conflicts (2 of 4 stars). 15 submissions from 11 submitters: Benign (12). 3 of the submissions do not count toward it. Last evaluated 2026-02-04.

Conditions:
Contractures, pterygia, and variable skeletal fusions syndrome 1B. Also called: CONTRACTURES, PTERYGIA, AND SPONDYLOCARPOTARSAL FUSION SYNDROME 1B. Identifiers: MedGen C5193114, MONDO:0020746, OMIM 618469.
Arthrogryposis, distal, type 2B3. Also called: Arthrogryposis, distal, type 2B3 (Sheldon-Hall). Identifiers: MedGen C5193098, MONDO:0032751, OMIM 618436.
Freeman-Sheldon syndrome (DA2A). Also called: Arthrogryposis, distal, type 2A (Freeman-Sheldon); WHISTLING FACE-WINDMILL VANE HAND SYNDROME; CRANIOCARPOTARSAL DYSPLASIA; CRANIOCARPOTARSAL DYSTROPHY. Identifiers: Orphanet 2053, MedGen C0265224, MONDO:0008675, OMIM 193700.
Distal arthrogryposis type 2B1 (DA2B1). Also called: Arthrogryposis multiplex congenita distal type II with craniofacial abnormalities. Identifiers: Orphanet 1147, MedGen C5193014, MONDO:0020820, OMIM 601680.
Contractures, pterygia, and spondylocarpotarsal fusion syndrome 1A (CPSFS1A). Also called: Contractures, pterygia, and variable skeletal fusions syndrome 1A; MULTIPLE PTERYGIUM SYNDROME, AUTOSOMAL DOMINANT; Distal arthrogryposis type 8. Identifiers: Orphanet 65743, MedGen C1867440, MONDO:0008338, OMIM 178110.

Allele frequency attached by ClinVar (database versions not stated): 1000 Genomes Project 0.58646; 1000 Genomes Project 30x 0.58807; TOPMed 0.67611; gnomAD exomes 0.68664 and 0.75595; ExAC 0.69018; gnomAD 0.69191 and 0.69723; ESP Exome Variant Server 0.71628.
gnomAD v4.1: 1,208,280 of 1,613,298 alleles (75%); highest among the groups gnomAD compares: Non-Finnish European, 79%; 460,038 homozygotes.

Submissions (15):

Labcorp Genetics (formerly Invitae), Labcorp
Classification: Benign. Last evaluated: 2026-02-04. Review status: criteria provided, single submitter. Criteria: Invitae Variant Classification Sherloc (09022015). Collection method: clinical testing. Allele origin: germline.

Blueprint Genetics
Classification: Benign. Last evaluated: 2024-11-28. Review status: criteria provided, single submitter. Criteria: ACMG Guidelines, 2015. Collection method: clinical testing. Allele origin: germline.

Genome-Nilou Lab
Classification: Benign for Freeman-Sheldon syndrome. Last evaluated: 2021-09-05. Review status: criteria provided, single submitter. Criteria: ACMG Guidelines, 2015. Collection method: clinical testing. Allele origin: germline. Affected: no.

Genome-Nilou Lab
Classification: Benign for Arthrogryposis, distal, type 2B3. Last evaluated: 2021-09-05. Review status: criteria provided, single submitter. Criteria: ACMG Guidelines, 2015. Collection method: clinical testing. Allele origin: germline. Affected: no.

Genome-Nilou Lab
Classification: Benign for Contractures, pterygia, and spondylocarpotarsal fusion syndrome 1A. Last evaluated: 2021-09-05. Review status: criteria provided, single submitter. Criteria: ACMG Guidelines, 2015. Collection method: clinical testing. Allele origin: germline. Affected: no.

Genome-Nilou Lab
Classification: Benign for Contractures, pterygia, and variable skeletal fusions syndrome 1B. Last evaluated: 2021-09-05. Review status: criteria provided, single submitter. Criteria: ACMG Guidelines, 2015. Collection method: clinical testing. Allele origin: germline. Affected: no.

GeneDx
Classification: Benign. Last evaluated: 2019-09-05. Review status: criteria provided, single submitter. Criteria: GeneDx Variant Classification Process June 2021. Collection method: clinical testing. Allele origin: germline. Affected: yes.
Comment: This variant is associated with the following publications: (PMID: 32315303)

Illumina Laboratory Services, Illumina
Classification: Benign for Freeman-Sheldon syndrome. Last evaluated: 2018-01-12. Review status: criteria provided, single submitter. Criteria: ICSL Variant Classification Criteria 13 December 2019. Collection method: clinical testing. Allele origin: germline.
Comment: This variant was observed in the ICSL laboratory as part of a predisposition screen in an ostensibly healthy population. It had not been previously curated by ICSL or reported in the Human Gene Mutation Database (HGMD: prior to June 1st, 2018), and was therefore a candidate for classification through an automated scoring system. Utilizing variant allele frequency, disease prevalence and penetrance estimates, and inheritance mode, an automated score was calculated to assess if this variant is too frequent to cause the disease. Based on the score and internal cut-off values, a variant classified as benign is not then subjected to further curation. The score for this variant resulted in a classification of benign for this disease.

Illumina Laboratory Services, Illumina
Classification: Benign for Distal arthrogryposis type 2B1. Last evaluated: 2018-01-12. Review status: criteria provided, single submitter. Criteria: ICSL Variant Classification Criteria 13 December 2019. Collection method: clinical testing. Allele origin: germline.
Comment: the same text as in the submission from Illumina Laboratory Services, Illumina above.

Genetic Services Laboratory, University of Chicago
Classification: Benign for AllHighlyPenetrant. Last evaluated: 2013-08-15. Review status: criteria provided, single submitter. Criteria: ACMG Guidelines, 2007. Collection method: clinical testing. Allele origin: germline. Inheritance: Autosomal dominant inheritance.

Breakthrough Genomics
Classification: Benign. Review status: criteria provided, single submitter. Criteria: ACMG Guidelines, 2015. Collection method: not provided. Allele origin: germline. Inheritance: Autosomal recessive inheritance. Affected: yes.

PreventionGenetics, part of Exact Sciences
Classification: Benign. Review status: criteria provided, single submitter. Criteria: ACMG Guidelines, 2015. Collection method: clinical testing. Allele origin: germline.

Clinical Genetics, Academic Medical Center
Classification: Benign. Review status: no assertion criteria provided. Collection method: clinical testing. Allele origin: germline. Affected: yes. Study: VKGL Data-share Consensus. Not counted in ClinVar's aggregate classification.

Diagnostic Laboratory, Department of Genetics, University Medical Center Groningen
Classification: Benign. Review status: no assertion criteria provided. Collection method: clinical testing. Allele origin: germline. Affected: yes. Study: VKGL Data-share Consensus. Not counted in ClinVar's aggregate classification.

Joint Genome Diagnostic Labs from Nijmegen and Maastricht, Radboudumc and MUMC+
Classification: Benign. Review status: no assertion criteria provided. Collection method: clinical testing. Allele origin: germline. Affected: yes. Study: VKGL Data-share Consensus. Not counted in ClinVar's aggregate classification.